The following is an entry in ClinVar:

ClinVar aggregate classification (germline): Uncertain significance (1 of 4 stars; one submission).

Conditions:
Cardiovascular phenotype. Identifiers: MedGen CN230736.
Hereditary cancer-predisposing syndrome. Also called: Tumor predisposition; Neoplastic Syndromes, Hereditary; Hereditary Cancer Syndrome; Hereditary neoplastic syndrome. Identifiers: Orphanet 140162, MedGen C0027672, MeSH D009386, MONDO:0015356.

Submission:

Ambry Genetics
Classification: Uncertain significance for Cardiovascular phenotype; Hereditary cancer-predisposing syndrome. Last evaluated: 2025-01-23. Review status: criteria provided, single submitter. Criteria: Ambry Variant Classification Scheme 2023. Collection method: clinical testing. Allele origin: germline.
Comment: The p.K1564T variant (also known as c.4691A>C), located in coding exon 35 of the NF1 gene, results from an A to C substitution at nucleotide position 4691. The lysine at codon 1564 is replaced by threonine, an amino acid with similar properties. This amino acid position is conserved. In addition, the in silico prediction for this alteration is inconclusive. Based on the available evidence, the clinical significance of this variant remains unclear.

NM_001042492.3(NF1):c.4754A>C (p.Lys1585Thr)

Gene: NF1 (neurofibromin 1; plus strand). Cytogenetic location: 17q11.2.
Variant type: single nucleotide variant.
Coding change: c.4754A>C on transcript NM_001042492.3 (MANE Select); coding-DNA position 4754, A replaced by C.
Protein change: p.Lys1585Thr; replaces lysine 1585 with threonine.
Molecular consequence: missense variant.
Genome position (GRCh38, 1-based): chr17:31,265,258, A>C. VCF-style: chr17-31265258-A-C. GRCh37 (hg19) VCF-style: chr17-29592276-A-C.
Other names: c.4691A>C, p.Lys1564Thr (NM_000267.4); short protein forms K1564T, K1585T.
Identifiers: ClinVar variation 3879069 (VCV003879069.1).